The following is an entry in ClinVar:

ClinVar aggregate classification (germline): Conflicting classifications of pathogenicity. Review status: criteria provided, conflicting classifications (1 of 4 stars). 3 submissions from 3 submitters: Uncertain significance (2); Likely benign (1). Last evaluated 2024-10-14.

Conditions:
Inborn genetic diseases. Identifiers: MedGen C0950123, MeSH D030342.

Allele frequency attached by ClinVar (database versions not stated): ESP Exome Variant Server 0.00015; ExAC 0.00017; gnomAD exomes 0.00021; gnomAD 0.00026; TOPMed 0.00026.

Submissions (3):

Blueprint Genetics
Classification: Likely benign. Last evaluated: 2024-10-14. Review status: criteria provided, single submitter. Criteria: ACMG Guidelines, 2015. Collection method: clinical testing. Allele origin: germline.

Labcorp Genetics (formerly Invitae), Labcorp
Classification: Uncertain significance. Last evaluated: 2023-08-04. Review status: criteria provided, single submitter. Criteria: Invitae Variant Classification Sherloc (09022015). Collection method: clinical testing. Allele origin: germline.
Comment: This sequence change replaces isoleucine, which is neutral and non-polar, with leucine, which is neutral and non-polar, at codon 426 of the ARHGEF18 protein (p.Ile426Leu). This variant is present in population databases (rs150177497, gnomAD 0.04%). This variant has not been reported in the literature in individuals affected with ARHGEF18-related conditions. ClinVar contains an entry for this variant (Variation ID: 837872). Algorithms developed to predict the effect of missense changes on protein structure and function output the following: SIFT: "Not Available"; PolyPhen-2: "Benign"; Align-GVGD: "Not Available". The leucine amino acid residue is found in multiple mammalian species, which suggests that this missense change does not adversely affect protein function. In summary, the available evidence is currently insufficient to determine the role of this variant in disease. Therefore, it has been classified as a Variant of Uncertain Significance.

Ambry Genetics
Classification: Uncertain significance for Inborn genetic diseases. Last evaluated: 2022-09-07. Review status: criteria provided, single submitter. Criteria: Ambry Variant Classification Scheme 2023. Collection method: clinical testing. Allele origin: germline.

NM_001367823.1(ARHGEF18):c.1840A>C (p.Ile614Leu)

Gene: ARHGEF18 (Rho/Rac guanine nucleotide exchange factor 18; plus strand). Cytogenetic location: 19p13.2.
Variant type: single nucleotide variant.
Coding change: c.1840A>C on transcript NM_001367823.1 (MANE Select); coding-DNA position 1840, A replaced by C.
Protein change: p.Ile614Leu; replaces isoleucine 614 with leucine.
Molecular consequence: missense variant.
Genome position (GRCh38, 1-based): chr19:7,451,251, A>C. VCF-style: chr19-7451251-A-C. GRCh37 (hg19) VCF-style: chr19-7516137-A-C.
Other names: c.1114A>C, p.Ile372Leu (NM_001130955.2); c.802A>C, p.Ile268Leu (NM_001367824.1, NM_015318.4); short protein forms I614L, I268L, I372L.
Identifiers: ClinVar variation 837872 (VCV000837872.7), dbSNP rs150177497, ClinGen allele CA9136629.